The following is an entry in ClinVar:

ClinVar aggregate classification (germline): Uncertain significance (1 of 4 stars; one submission).

Conditions:
Myasthenic syndrome, congenital, 22 (CMS22). Also called: PREPL DEFICIENCY. Identifiers: MedGen C4479088, MONDO:0044299, OMIM 616224.

Allele frequency attached by ClinVar (database versions not stated): gnomAD exomes 0.00001.

Submission:

Labcorp Genetics (formerly Invitae), Labcorp
Classification: Uncertain significance for Myasthenic syndrome, congenital, 22. Last evaluated: 2021-06-04. Review status: criteria provided, single submitter. Criteria: Invitae Variant Classification Sherloc (09022015). Collection method: clinical testing. Allele origin: germline.
Comment: This variant is not present in population databases (ExAC no frequency). This sequence change falls in intron 7 of the PREPL gene. It does not directly change the encoded amino acid sequence of the PREPL protein, but it affects a nucleotide within the consensus splice site of the intron. This variant has not been reported in the literature in individuals with PREPL-related conditions. In summary, the available evidence is currently insufficient to determine the role of this variant in disease. Therefore, it has been classified as a Variant of Uncertain Significance. Algorithms developed to predict the effect of sequence changes on RNA splicing suggest that this variant may disrupt the consensus splice site, but this prediction has not been confirmed by published transcriptional studies.

NM_001171613.2(PREPL):c.888+4del

Gene: PREPL (prolyl endopeptidase like; minus strand). Cytogenetic location: 2p21.
Variant type: Deletion.
Coding change: c.888+4del on transcript NM_001171613.2 (MANE Select); 4 bases into the intron after coding-DNA position 888, one base deleted (T; older notation c.888+4delT).
Molecular consequence: intron variant.
Genome position (GRCh38, 1-based): chr2:44,338,347, A deleted on the plus strand (T on the coding strand, the reverse complement: PREPL is on the minus strand). VCF-style (leftmost placement, unchanged base first): chr2-44338346-CA-C. GRCh37 (hg19) VCF-style: chr2-44565485-CA-C.
Other names: c.888+4del (NM_001171617.1, NM_001374277.1); c.1155+4del (NM_001171603.1, NM_001374275.1, NM_001374276.1 and 3 more transcripts); c.969+800del (NM_001042385.2).
Identifiers: ClinVar variation 1483890 (VCV001483890.8), dbSNP rs2103912340, ClinGen allele CA2573134818.